The following is an entry in ClinVar:

ClinVar aggregate classification (germline): Uncertain significance (1 of 4 stars; one submission).

Submission:

Labcorp Genetics (formerly Invitae), Labcorp
Classification: Uncertain significance. Last evaluated: 2023-10-16. Review status: criteria provided, single submitter. Criteria: Invitae Variant Classification Sherloc (09022015). Collection method: clinical testing. Allele origin: unknown.
Comment: This variant is a gross deletion of the genomic region encompassing exon(s) 31-38 of the FBN3 gene. This variant would be expected to be in-frame, preserving the integrity of the reading frame. This variant has not been reported in the literature in individuals affected with FBN3-related conditions. Experimental studies and prediction algorithms are not available or were not evaluated, and the functional significance of this variant is currently unknown. In summary, the available evidence is currently insufficient to determine the role of this variant in disease. Therefore, it has been classified as a Variant of Uncertain Significance.

NC_000019.9:g.(?_8170972)_(8177003_?)del

Gene: FBN3 (fibrillin 3; minus strand). Cytogenetic location: 19p13.2.
Variant type: Deletion.
Identifiers: ClinVar variation 3242718 (VCV003242718.1).